The following is an entry in ClinVar:

ClinVar aggregate classification (germline): Uncertain significance (0 of 4 stars; one submission).

Conditions:
POMC-related disorder. Also called: POMC-related disorders; POMC-related condition.

gnomAD v4.1: 3 of 1,600,268 alleles (0.00019%); highest among the groups gnomAD compares: Admixed American, 0.0051%; no homozygotes.

Submission:

PreventionGenetics, part of Exact Sciences
Classification: Uncertain significance for POMC-related condition. Last evaluated: 2024-08-19. Review status: no assertion criteria provided. Collection method: clinical testing. Allele origin: germline.
Comment: The POMC c.379G>T variant is predicted to result in the amino acid substitution p.Gly127Cys. To our knowledge, this variant has not been reported in the literature. This variant is reported in 0.0092% of alleles in individuals of Latino descent in gnomAD. At this time, the clinical significance of this variant is uncertain due to the absence of conclusive functional and genetic evidence.

NM_000939.4(POMC):c.379G>T (p.Gly127Cys)

Gene: POMC (proopiomelanocortin; minus strand). Cytogenetic location: 2p23.3.
Variant type: single nucleotide variant.
Coding change: c.379G>T on transcript NM_000939.4 (MANE Select); coding-DNA position 379, G replaced by T.
Protein change: p.Gly127Cys; replaces glycine 127 with cysteine.
Molecular consequence: missense variant.
Genome position (GRCh38, 1-based): chr2:25,161,506, C>A on the plus strand (G>T on the coding strand, the complement: POMC is on the minus strand). VCF-style: chr2-25161506-C-A. GRCh37 (hg19) VCF-style: chr2-25384375-C-A.
Other names: c.379G>T, p.Gly127Cys (NM_001035256.3, NM_001319204.2, NM_001319205.2); short protein forms G127C.
Identifiers: ClinVar variation 3352208 (VCV003352208.1).